The following is an entry in ClinVar:

ClinVar aggregate classification (germline): Uncertain significance. Review status: criteria provided, multiple submitters, no conflicts (2 of 4 stars). 2 submissions from 2 submitters: Uncertain significance (2). Last evaluated 2025-06-29.

Conditions:
Inborn genetic diseases. Identifiers: MedGen C0950123, MeSH D030342.

gnomAD v4.1: 4 of 1,612,904 alleles (0.00025%); highest among the groups gnomAD compares: South Asian, 0.0033%; no homozygotes.

Submissions (2):

Labcorp Genetics (formerly Invitae), Labcorp
Classification: Uncertain significance. Last evaluated: 2025-06-29. Review status: criteria provided, single submitter. Criteria: Invitae Variant Classification Sherloc (09022015). Collection method: clinical testing. Allele origin: germline.
Comment: This sequence change replaces histidine, which is basic and polar, with tyrosine, which is neutral and polar, at codon 280 of the DDX58 protein (p.His280Tyr). This variant is present in population databases (no rsID available, gnomAD 0.003%). This variant has not been reported in the literature in individuals affected with DDX58-related conditions. Invitae Evidence Modeling of protein sequence and biophysical properties (such as structural, functional, and spatial information, amino acid conservation, physicochemical variation, residue mobility, and thermodynamic stability) indicates that this missense variant is expected to disrupt DDX58 protein function with a positive predictive value of 80%. In summary, the available evidence is currently insufficient to determine the role of this variant in disease. Therefore, it has been classified as a Variant of Uncertain Significance.

Ambry Genetics
Classification: Uncertain significance for Inborn genetic diseases. Last evaluated: 2025-06-03. Review status: criteria provided, single submitter. Criteria: Ambry Variant Classification Scheme 2023. Collection method: clinical testing. Allele origin: germline.

NM_014314.4(RIGI):c.838C>T (p.His280Tyr)

Gene: RIGI (RNA sensor RIG-I; minus strand). Cytogenetic location: 9p21.1.
Variant type: single nucleotide variant.
Coding change: c.838C>T on transcript NM_014314.4 (MANE Select); coding-DNA position 838, C replaced by T.
Protein change: p.His280Tyr; replaces histidine 280 with tyrosine.
Molecular consequence: missense variant.
Genome position (GRCh38, 1-based): chr9:32,488,849, G>A on the plus strand (C>T on the coding strand, the complement: RIGI is on the minus strand). VCF-style: chr9-32488849-G-A. GRCh37 (hg19) VCF-style: chr9-32488847-G-A.
Other names: c.838C>T, p.His280Tyr (NM_001385907.1, NM_001385909.1); c.397C>T, p.His133Tyr (NM_001385910.1); c.229C>T, p.His77Tyr (NM_001385912.1); c.823C>T, p.His275Tyr (NM_001385913.1); c.394C>T, p.His132Tyr (NM_001385914.1); short protein forms H133Y, H132Y, H275Y, H280Y, H77Y.
Identifiers: ClinVar variation 3945755 (VCV003945755.2).